The following is an entry in ClinVar:

ClinVar aggregate classification (germline): Likely benign. Review status: criteria provided, multiple submitters, no conflicts (2 of 4 stars). 4 submissions from 4 submitters: Likely benign (4). Last evaluated 2025-08-14.

Conditions:
Familial thoracic aortic aneurysm and aortic dissection (TAAD). Also called: Thoracic aortic aneurysms and dissections. Identifiers: Orphanet 91387, MedGen C4707243, MONDO:0019625.
Loeys-Dietz syndrome 2 (LDS2). Also called: TGFBR2-Related Loeys-Dietz Syndrome; AORTIC ANEURYSM, FAMILIAL THORACIC 3; MARFAN SYNDROME, TYPE II; Marfan Syndrome type 2; Marfan like connective tissue disorder; MFS 2. Identifiers: Orphanet 284973, Orphanet 558, MedGen C2674574, MONDO:0012427, OMIM 610168.

Allele frequency attached by ClinVar (database versions not stated): gnomAD exomes below 0.00001 and 0.00001; gnomAD 0.00001; TOPMed 0.00002.

Submissions (4):

Labcorp Genetics (formerly Invitae), Labcorp
Classification: Likely benign for Familial thoracic aortic aneurysm and aortic dissection. Last evaluated: 2025-08-14. Review status: criteria provided, single submitter. Criteria: Invitae Variant Classification Sherloc (09022015). Collection method: clinical testing. Allele origin: germline.

All of Us Research Program, National Institutes of Health
Classification: Likely benign for Loeys-Dietz syndrome 2. Last evaluated: 2023-04-28. Review status: criteria provided, single submitter. Criteria: ACMG Guidelines, 2015. Collection method: clinical testing. Allele origin: germline. Inheritance: Autosomal dominant inheritance. Observed: 2 variant alleles, 2 heterozygotes.
Comment: This study involves interpretation of variants in research participants for the purpose of population health screening. Participant phenotype was not available at the time of variant classification. Additional details can be found in publication PMID: 35346344, PMCID: PMC8962531

Color Diagnostics, LLC DBA Color Health
Classification: Likely benign for Familial thoracic aortic aneurysm and aortic dissection. Last evaluated: 2019-09-09. Review status: criteria provided, single submitter. Criteria: ACMG Guidelines, 2015. Collection method: clinical testing. Allele origin: germline.

Ambry Genetics
Classification: Likely benign for Familial thoracic aortic aneurysm and aortic dissection. Last evaluated: 2018-04-06. Review status: criteria provided, single submitter. Criteria: Ambry Variant Classification Scheme 2023. Collection method: clinical testing. Allele origin: germline.

NM_003242.6(TGFBR2):c.1210C>T (p.Leu404=)

Gene: TGFBR2 (transforming growth factor beta receptor 2; plus strand). Cytogenetic location: 3p24.1.
Variant type: single nucleotide variant.
Coding change: c.1210C>T on transcript NM_003242.6 (MANE Select); coding-DNA position 1210, C replaced by T.
Protein change: p.Leu404=; no amino-acid change (leucine 404 retained).
Molecular consequence: synonymous variant. On other transcripts: intron variant (1).
Genome position (GRCh38, 1-based): chr3:30,672,393, C>T. VCF-style: chr3-30672393-C-T. GRCh37 (hg19) VCF-style: chr3-30713885-C-T.
Other names: c.1285C>T, p.Leu429= (NM_001024847.3); c.1393C>T, p.Leu465= (NM_001407126.1); c.1318C>T, p.Leu440= (NM_001407127.1); c.1237C>T, p.Leu413= (NM_001407128.1); c.1213C>T, p.Leu405= (NM_001407129.1); c.1210C>T, p.Leu404= (NM_001407130.1); c.1105C>T, p.Leu369= (NM_001407132.1, NM_001407133.1, NM_001407134.1 and 2 more transcripts); c.925C>T, p.Leu309= (NM_001407137.1); and 2 more.
Identifiers: ClinVar variation 918800 (VCV000918800.16), dbSNP rs1253996257, ClinGen allele CA432917644.
Genomic context (GRCh38, chr3:30,672,393, plus strand): 5'-AATATCCTCGTGAAGAACGACCTAACCTGCTGCCTGTGTGACTTTGGGCTTTCCCTGCGT[C>T]TGGACCCTACTCTGTCTGTGGATGACCTGGCTAACAGTGGGCAGGTAAGTTAGAGCTAGT-3'
Protein context (NP_003233.4, residues 394-414): CLCDFGLSLR[Leu404=]DPTLSVDDLA